The following is an entry in ClinVar:

NM_001144869.3(LIPT2):c.467del

Gene: LIPT2 (lipoyl(octanoyl) transferase 2; minus strand). Cytogenetic location: 11q13.4.
Variant type: Deletion.
Coding change: c.467del on transcript NM_001144869.3 (MANE Select); coding-DNA position 467, one base deleted (G; older notation c.467delG).
Genome position (GRCh38, 1-based): chr11:74,492,364, C deleted on the plus strand (G on the coding strand, the reverse complement: LIPT2 is on the minus strand); the first of 2 consecutive C bases (chr11:74,492,364-74,492,365); deleting either gives the same sequence. VCF-style (leftmost placement, unchanged base first): chr11-74492363-TC-T. GRCh37 (hg19) VCF-style: chr11-74203408-TC-T.
Identifiers: ClinVar variation 1898655 (VCV001898655.6), dbSNP rs1864360813, ClinGen allele CA939596622.
Genomic context (GRCh38, chr11:74,492,363, plus strand): 5'-GAGGTCGGTAGAGCAGTTGAGAGCCAGGCCGTGGGATGTGATGTGCCTTCCACAGCGGAC[TC>T]CTGCAAGGCAAGCCAAAGGGTCTTAGAGTAGATACCCTCCACTCTCCGGGCTTTGGTGTC-3'

ClinVar aggregate classification (germline): Uncertain significance. Review status: criteria provided, multiple submitters, no conflicts (2 of 4 stars). 2 submissions from 2 submitters: Uncertain significance (2). Last evaluated 2025-08-09.

Submissions (2):

Dasa
Classification: Uncertain significance. Last evaluated: 2025-08-09. Review status: criteria provided, single submitter. Criteria: DASA Assertion Criteria. Collection method: clinical testing. Allele origin: germline.
Comment: NM_001144869.3(LIPT2):c.467del (p.Gly156Glufs*40) is a frameshift variant in LIPT2 predicted to alter the reading frame and introduce a premature termination codon. This variant is rare in population databases. The currently available literature and clinical evidence are not sufficient to establish a definitive association between this variant and the reported condition. Therefore, this variant is classified as a variant of uncertain significance.

Labcorp Genetics (formerly Invitae), Labcorp
Classification: Uncertain significance. Last evaluated: 2022-08-22. Review status: criteria provided, single submitter. Criteria: Invitae Variant Classification Sherloc (09022015). Collection method: clinical testing. Allele origin: germline.
Comment: In summary, the available evidence is currently insufficient to determine the role of this variant in disease. Therefore, it has been classified as a Variant of Uncertain Significance. Algorithms developed to predict the effect of sequence changes on RNA splicing suggest that this variant may disrupt the consensus splice site. Experimental studies and prediction algorithms are not available or were not evaluated, and the functional significance of this variant is currently unknown. This variant has not been reported in the literature in individuals affected with LIPT2-related conditions. This variant is not present in population databases (gnomAD no frequency). This sequence change creates a premature translational stop signal (p.Gly156Glufs*40) in the LIPT2 gene. While this is not anticipated to result in nonsense mediated decay, it is expected to disrupt the last 76 amino acid(s) of the LIPT2 protein.